The following is an entry in ClinVar:

NM_005633.4(SOS1):c.1490G>C (p.Arg497Pro)

Gene: SOS1 (SOS Ras/Rac guanine nucleotide exchange factor 1; minus strand). Cytogenetic location: 2p22.1.
Variant type: single nucleotide variant.
Coding change: c.1490G>C on transcript NM_005633.4 (MANE Select); coding-DNA position 1490, G replaced by C.
Protein change: p.Arg497Pro; replaces arginine 497 with proline.
Molecular consequence: missense variant.
Genome position (GRCh38, 1-based): chr2:39,022,938, C>G on the plus strand (G>C on the coding strand, the complement: SOS1 is on the minus strand). VCF-style: chr2-39022938-C-G. GRCh37 (hg19) VCF-style: chr2-39250079-C-G.
Other names: c.1469G>C, p.Arg490Pro (NM_001382394.1); c.1490G>C, p.Arg497Pro (NM_001382395.1); short protein forms R490P, R497P.
Identifiers: ClinVar variation 934560 (VCV000934560.9), dbSNP rs371314838, ClinGen allele CA346366054.

ClinVar aggregate classification (germline): Uncertain significance (1 of 4 stars; one submission).

Conditions:
RASopathy. Also called: rasopathies; Noonan spectrum disorder. Identifiers: Orphanet 536391, MedGen C5555857, MONDO:0021060.

Submission:

Labcorp Genetics (formerly Invitae), Labcorp
Classification: Uncertain significance for RASopathy. Last evaluated: 2019-10-01. Review status: criteria provided, single submitter. Criteria: Invitae Variant Classification Sherloc (09022015). Collection method: clinical testing. Allele origin: germline.
Comment: This sequence change replaces arginine with proline at codon 497 of the SOS1 protein (p.Arg497Pro). The arginine residue is moderately conserved and there is a moderate physicochemical difference between arginine and proline. This variant is not present in population databases (ExAC no frequency). This variant has not been reported in the literature in individuals with SOS1-related conditions. Algorithms developed to predict the effect of missense changes on protein structure and function are either unavailable or do not agree on the potential impact of this missense change (SIFT: "Tolerated"; PolyPhen-2: "Probably Damaging"; Align-GVGD: "Class C0"). In summary, the available evidence is currently insufficient to determine the role of this variant in disease. Therefore, it has been classified as a Variant of Uncertain Significance.